The following is an entry in ClinVar:

NM_004408.4(DNM1):c.649C>T (p.Arg217Cys)

Gene: DNM1 (dynamin 1; plus strand). Cytogenetic location: 9q34.11.
Variant type: single nucleotide variant.
Coding change: c.649C>T on transcript NM_004408.4 (MANE Select); coding-DNA position 649, C replaced by T.
Protein change: p.Arg217Cys; replaces arginine 217 with cysteine.
Molecular consequence: missense variant.
Genome position (GRCh38, 1-based): chr9:128,220,047, C>T. VCF-style: chr9-128220047-C-T. GRCh37 (hg19) VCF-style: chr9-130982326-C-T.
Other names: c.649C>T, p.Arg217Cys (NM_001005336.3, NM_001288737.2, NM_001288738.2 and 2 more transcripts); short protein forms R217C.
Identifiers: ClinVar variation 2581492 (VCV002581492.2), dbSNP rs1299220134, ClinGen allele CA375012520.

ClinVar aggregate classification (germline): Uncertain significance. Review status: criteria provided, multiple submitters, no conflicts (2 of 4 stars). 2 submissions from 2 submitters: Uncertain significance (2). Last evaluated 2023-08-04.

Allele frequency attached by ClinVar (database versions not stated): gnomAD exomes below 0.00001.
gnomAD v4.1: 1 of 1,609,696 alleles (0.000062%); highest among the groups gnomAD compares: Non-Finnish European, 0.000085%; no homozygotes.

Submissions (2):

Women's Health and Genetics/Laboratory Corporation of America, LabCorp
Classification: Uncertain significance. Last evaluated: 2023-08-04. Review status: criteria provided, single submitter. Criteria: LabCorp Variant Classification Summary - May 2015. Collection method: clinical testing. Allele origin: germline.
Comment: Variant summary: DNM1 c.649C>T (p.Arg217Cys) results in a non-conservative amino acid change located in the Dynamin stalk domain (IPR000375) of the encoded protein sequence. Five of five in-silico tools predict a damaging effect of the variant on protein function. The variant allele was found at a frequency of 4.1e-06 in 242806 control chromosomes. The available data on variant occurrences in the general population are insufficient to allow any conclusion about variant significance. To our knowledge, no occurrence of c.649C>T in individuals affected with Developmental And Epileptic Encephalopathy, 31 and no experimental evidence demonstrating its impact on protein function have been reported. No submitters have cited clinical-significance assessments for this variant to ClinVar after 2014. Based on the evidence outlined above, the variant was classified as uncertain significance.

Blueprint Genetics
Classification: Uncertain significance. Last evaluated: 2021-01-14. Review status: criteria provided, single submitter. Criteria: ACMG Guidelines, 2015. Collection method: clinical testing. Allele origin: germline.